The following is an entry in ClinVar:

NM_005591.4(MRE11):c.1853T>C (p.Met618Thr)

Gene: MRE11 (MRE11 double strand break repair nuclease; minus strand). Cytogenetic location: 11q21.
Variant type: single nucleotide variant.
Coding change: c.1853T>C on transcript NM_005591.4 (MANE Select); coding-DNA position 1853, T replaced by C.
Protein change: p.Met618Thr; replaces methionine 618 with threonine.
Molecular consequence: missense variant. On other transcripts: intron variant (1).
Genome position (GRCh38, 1-based): chr11:94,445,824, A>G on the plus strand (T>C on the coding strand, the complement: MRE11 is on the minus strand). VCF-style: chr11-94445824-A-G. GRCh37 (hg19) VCF-style: chr11-94178990-A-G.
Other names: c.1850T>C, p.Met617Thr (NM_001330347.2); c.1783+1395T>C (NM_005590.4); short protein forms M617T, M618T.
Identifiers: ClinVar variation 1681560 (VCV001681560.6), dbSNP rs748933763, ClinGen allele CA382366304.

ClinVar aggregate classification (germline): Uncertain significance. Review status: criteria provided, multiple submitters, no conflicts (2 of 4 stars). 2 submissions from 2 submitters: Uncertain significance (2). Last evaluated 2025-05-05.

Conditions:
Ataxia-telangiectasia-like disorder (ATLD). Identifiers: MedGen C1858391, MONDO:0011457.
Hereditary cancer-predisposing syndrome. Also called: Hereditary neoplastic syndrome; Neoplastic Syndromes, Hereditary; Tumor predisposition; Hereditary Cancer Syndrome. Identifiers: Orphanet 140162, MedGen C0027672, MeSH D009386, MONDO:0015356.

gnomAD v4.1: 2 of 1,610,548 alleles (0.00012%); highest among the groups gnomAD compares: Non-Finnish European, 0.00017%; no homozygotes.

Submissions (2):

Ambry Genetics
Classification: Uncertain significance for Hereditary cancer-predisposing syndrome. Last evaluated: 2025-05-05. Review status: criteria provided, single submitter. Criteria: Ambry Variant Classification Scheme 2023. Collection method: clinical testing. Allele origin: germline.
Comment: The p.M618T variant (also known as c.1853T>C), located in coding exon 15 of the MRE11A gene, results from a T to C substitution at nucleotide position 1853. The methionine at codon 618 is replaced by threonine, an amino acid with similar properties. This amino acid position is highly conserved in available vertebrate species. In addition, the in silico prediction for this alteration is inconclusive. Since supporting evidence is limited at this time, the clinical significance of this alteration remains unclear.

Labcorp Genetics (formerly Invitae), Labcorp
Classification: Uncertain significance for Ataxia-telangiectasia-like disorder. Last evaluated: 2022-08-19. Review status: criteria provided, single submitter. Criteria: Invitae Variant Classification Sherloc (09022015). Collection method: clinical testing. Allele origin: germline.
Comment: This sequence change replaces methionine, which is neutral and non-polar, with threonine, which is neutral and polar, at codon 618 of the MRE11 protein (p.Met618Thr). This variant is not present in population databases (gnomAD no frequency). This variant has not been reported in the literature in individuals affected with MRE11-related conditions. ClinVar contains an entry for this variant (Variation ID: 1681560). Algorithms developed to predict the effect of missense changes on protein structure and function (SIFT, PolyPhen-2, Align-GVGD) all suggest that this variant is likely to be tolerated. In summary, the available evidence is currently insufficient to determine the role of this variant in disease. Therefore, it has been classified as a Variant of Uncertain Significance.